The following is an entry in ClinVar:

Conditions:
Long QT syndrome 5 (LQT5). Identifiers: Orphanet 101016, Orphanet 768, MedGen C1867904, MONDO:0013372, OMIM 613695.

Submission:

Roden Lab, Vanderbilt University Medical Center
No classification provided (evidence only). Condition: Long QT syndrome 5. Review status: no classification provided. Collection method: in vitro. Allele origin: not applicable. Functional consequence: Effect on ion channel function.
ClinVar note: "not provided" was previously submitted as the classification for the variant. However, the classification appeared to be based only on an observation of functional data so it was converted to no classification on 2025-07-30.

NM_000219.6(KCNE1):c.245T>G (p.Ile82Ser)

Gene: KCNE1 (potassium voltage-gated channel subfamily E regulatory subunit 1; minus strand). Cytogenetic location: 21q22.12.
Variant type: single nucleotide variant.
Coding change: c.245T>G on transcript NM_000219.6 (MANE Select); coding-DNA position 245, T replaced by G.
Protein change: p.Ile82Ser; replaces isoleucine 82 with serine.
Molecular consequence: missense variant.
Genome position (GRCh38, 1-based): chr21:34,449,390, A>C on the plus strand (T>G on the coding strand, the complement: KCNE1 is on the minus strand). VCF-style: chr21-34449390-A-C. GRCh37 (hg19) VCF-style: chr21-35821688-A-C.
Other names: c.245T>G, p.Ile82Ser (NM_001127668.4, NM_001127669.4, NM_001127670.4 and 4 more transcripts); short protein forms I82S.
Identifiers: ClinVar variation 3374427 (VCV003374427.2).